The following is an entry in ClinVar:

NM_000487.6(ARSA):c.1196del (p.His399fs)

Gene: ARSA (arylsulfatase A; minus strand). Cytogenetic location: 22q13.33.
Variant type: Deletion.
Coding change: c.1196del on transcript NM_000487.6 (MANE Select); coding-DNA position 1196, one base deleted (A; older notation c.1196delA).
Protein change: p.His399fs; shifts the reading frame from histidine 399.
Molecular consequence: frameshift variant.
Genome position (GRCh38, 1-based): chr22:50,625,593, T deleted on the plus strand (A on the coding strand, the reverse complement: ARSA is on the minus strand). VCF-style (leftmost placement, unchanged base first): chr22-50625592-GT-G. GRCh37 (hg19) VCF-style: chr22-51064020-GT-G.
Other names: c.1196del, p.His399fs (NM_001085425.3, NM_001085426.3, NM_001085427.3); c.938del, p.His313fs (NM_001085428.3, NM_001362782.2); short protein forms H313fs, H399fs.
Identifiers: ClinVar variation 4818438 (VCV004818438.1).

ClinVar aggregate classification (germline): Likely pathogenic (1 of 4 stars; one submission).

Conditions:
Metachromatic leukodystrophy (MLD). Also called: ARSA DEFICIENCY; CEREBROSIDE SULFATASE DEFICIENCY; Arylsulfatase A Deficiency; METACHROMATIC LEUKOENCEPHALOPATHY; SULFATIDE LIPIDOSIS; Cerebral sclerosis diffuse metachromatic form. Identifiers: Orphanet 512, MedGen C0023522, MONDO:0018868, OMIM 250100.

Submission:

Natera, Inc.
Classification: Likely pathogenic for Metachromatic leukodystrophy. Last evaluated: 2025-11-04. Review status: criteria provided, single submitter. Criteria: Natera Variant Classification Schema (03/2026). Collection method: clinical testing. Allele origin: germline.
Comment: The c.1196del variant in ARSA is a frameshift variant predicted to shift the reading frame beginning at codon 399 and leads to a stop codon 24 codons downstream. This variant is expected to result in nonsense mediated decay, truncation, or a dysfunctional protein product. This variant is rare in the general population with a frequency below the threshold expected for the associated phenotype(s). Given the available evidence, this variant is classified as Likely Pathogenic.